The following is an entry in ClinVar:

NM_002972.4(SBF1):c.2221A>G (p.Lys741Glu)

Gene: SBF1 (SET binding factor 1; minus strand). Cytogenetic location: 22q13.33.
Variant type: single nucleotide variant.
Coding change: c.2221A>G on transcript NM_002972.4 (MANE Select); coding-DNA position 2221, A replaced by G.
Protein change: p.Lys741Glu; replaces lysine 741 with glutamic acid.
Molecular consequence: missense variant.
Genome position (GRCh38, 1-based): chr22:50,462,380, T>C on the plus strand (A>G on the coding strand, the complement: SBF1 is on the minus strand). VCF-style: chr22-50462380-T-C. GRCh37 (hg19) VCF-style: chr22-50900809-T-C.
Other names: c.2224A>G, p.Lys742Glu (NM_001365819.1); short protein forms K741E, K742E.
Identifiers: ClinVar variation 1348006 (VCV001348006.5), dbSNP rs1322988702, ClinGen allele CA412210922.

ClinVar aggregate classification (germline): Uncertain significance (1 of 4 stars; one submission).

Allele frequency attached by ClinVar (database versions not stated): gnomAD 0.00001; gnomAD exomes 0.00001; TOPMed 0.00001.
gnomAD v4.1: 10 of 1,614,000 alleles (0.00062%); highest among the groups gnomAD compares: Non-Finnish European, 0.00076%; no homozygotes.

Submission:

Labcorp Genetics (formerly Invitae), Labcorp
Classification: Uncertain significance. Last evaluated: 2021-09-17. Review status: criteria provided, single submitter. Criteria: Invitae Variant Classification Sherloc (09022015). Collection method: clinical testing. Allele origin: germline.
Comment: This sequence change replaces lysine with glutamic acid at codon 741 of the SBF1 protein (p.Lys741Glu). The lysine residue is moderately conserved and there is a small physicochemical difference between lysine and glutamic acid. This variant is not present in population databases (ExAC no frequency). This variant has not been reported in the literature in individuals affected with SBF1-related conditions. Algorithms developed to predict the effect of missense changes on protein structure and function (SIFT, PolyPhen-2, Align-GVGD) all suggest that this variant is likely to be tolerated. In summary, the available evidence is currently insufficient to determine the role of this variant in disease. Therefore, it has been classified as a Variant of Uncertain Significance.